The following is an entry in ClinVar:

ClinVar aggregate classification (germline): Likely pathogenic (0 of 4 stars; one submission).

Conditions:
Finnish congenital nephrotic syndrome (NPHS1). Also called: NEPHROTIC SYNDROME, TYPE 1. Identifiers: Orphanet 839, MedGen C0403399, MONDO:0009732, OMIM 256300.

Submission:

Juha Muilu Group; Institute for Molecular Medicine Finland (FIMM)
Classification: Likely pathogenic for Finnish congenital nephrotic syndrome. Review status: no assertion criteria provided. Collection method: not provided. Allele origin: unknown.
Comment: FinDis database variant: This variant was not found or characterized by our laboratory, data were collected from public sources: see reference
ClinVar note: Converted during submission from probable-pathogenic to Likely pathogenic.

NM_004646.4(NPHS1):c.2405G>C (p.Arg802Pro)

Gene: NPHS1 (NPHS1 adhesion molecule, nephrin; minus strand). Cytogenetic location: 19q13.12.
Variant type: single nucleotide variant.
Coding change: c.2405G>C on transcript NM_004646.4 (MANE Select); coding-DNA position 2405, G replaced by C.
Protein change: p.Arg802Pro; replaces arginine 802 with proline.
Molecular consequence: missense variant.
Genome position (GRCh38, 1-based): chr19:35,842,480, C>G on the plus strand (G>C on the coding strand, the complement: NPHS1 is on the minus strand). VCF-style: chr19-35842480-C-G. GRCh37 (hg19) VCF-style: chr19-36333382-C-G.
Other names: short protein forms R802P.
Identifiers: ClinVar variation 56472 (VCV000056472.2), dbSNP rs114203578, ClinGen allele CA250183.